The following is an entry in ClinVar:

ClinVar aggregate classification (germline): Uncertain significance (1 of 4 stars; one submission).

Conditions:
Progressive familial heart block type IB (PFHB1B). Identifiers: Orphanet 871, MedGen C1970298, MONDO:0011474, OMIM 604559.

Allele frequency attached by ClinVar (database versions not stated): gnomAD exomes below 0.00001.
gnomAD v4.1: 1 of 1,600,138 alleles (0.000062%); highest among the groups gnomAD compares: Non-Finnish European, 0.000085%; no homozygotes.

Submission:

Labcorp Genetics (formerly Invitae), Labcorp
Classification: Uncertain significance for Progressive familial heart block type IB. Last evaluated: 2024-01-24. Review status: criteria provided, single submitter. Criteria: Invitae Variant Classification Sherloc (09022015). Collection method: clinical testing. Allele origin: germline.
Comment: This sequence change affects a donor splice site in intron 3 of the TRPM4 gene. It is expected to disrupt RNA splicing. Variants that disrupt the donor or acceptor splice site typically lead to a loss of protein function (PMID: 16199547), however the current clinical and genetic evidence is not sufficient to establish whether loss-of-function variants in TRPM4 cause disease. This variant is not present in population databases (gnomAD no frequency). This variant has not been reported in the literature in individuals affected with TRPM4-related conditions. Algorithms developed to predict the effect of sequence changes on RNA splicing suggest that this variant may disrupt the consensus splice site. In summary, the available evidence is currently insufficient to determine the role of this variant in disease. Therefore, it has been classified as a Variant of Uncertain Significance.

Literature cited by the submitters: PubMed 16199547.

NM_017636.4(TRPM4):c.267+1G>A

Gene: TRPM4 (transient receptor potential cation channel subfamily M member 4; plus strand). Cytogenetic location: 19q13.33.
Variant type: single nucleotide variant.
Coding change: c.267+1G>A on transcript NM_017636.4 (MANE Select); the canonical splice donor site of the intron after coding-DNA position 267, G replaced by A.
Molecular consequence: splice donor variant. On other transcripts: intron variant (2).
Genome position (GRCh38, 1-based): chr19:49,166,216, G>A. VCF-style: chr19-49166216-G-A. GRCh37 (hg19) VCF-style: chr19-49669473-G-A.
Other names: c.267+1G>A (NM_001195227.2, NM_001321281.2); c.-1106+1G>A (NM_001321282.2); c.-74-2044G>A (NM_001321283.2); c.-237-2337G>A (NM_001321285.2).
Identifiers: ClinVar variation 2710952 (VCV002710952.3), dbSNP rs2514047168, ClinGen allele CA406789699.